The following is an entry in ClinVar:

ClinVar aggregate classification (germline): Uncertain significance (1 of 4 stars; one submission).

Conditions:
EZH2-related disorder.

Submission:

PreventionGenetics, part of Exact Sciences
Classification: Uncertain significance for EZH2-related condition. Last evaluated: 2025-11-18. Review status: criteria provided, single submitter. Criteria: ACMG Guidelines, 2015. Collection method: clinical testing. Allele origin: germline.
Comment: The EZH2 c.1180G>A variant is predicted to result in the amino acid substitution p.Gly394Arg. To our knowledge, this variant has not been reported in the literature or in a large population database (gnomAD), indicating this variant is rare. At this time, the clinical significance of this variant is uncertain due to the absence of conclusive functional and genetic evidence.

NM_004456.5(EZH2):c.1180G>A (p.Gly394Arg)

Gene: EZH2 (enhancer of zeste 2 polycomb repressive complex 2 subunit; minus strand). Cytogenetic location: 7q36.1.
Variant type: single nucleotide variant.
Coding change: c.1180G>A on transcript NM_004456.5 (MANE Select); coding-DNA position 1180, G replaced by A.
Protein change: p.Gly394Arg; replaces glycine 394 with arginine.
Molecular consequence: missense variant.
Genome position (GRCh38, 1-based): chr7:148,817,937, C>T on the plus strand (G>A on the coding strand, the complement: EZH2 is on the minus strand). VCF-style: chr7-148817937-C-T. GRCh37 (hg19) VCF-style: chr7-148515029-C-T.
Other names: c.1165G>A, p.Gly389Arg (NM_001203247.2); c.1138G>A, p.Gly380Arg (NM_001203248.2, NM_001203249.2); c.1048G>A, p.Gly350Arg (NM_152998.3); short protein forms G389R, G394R, G350R, G380R.
Identifiers: ClinVar variation 4996443 (VCV004996443.1).